The following is an entry in ClinVar:

NM_173354.5(SIK1):c.2033A>C (p.Gln678Pro)

Gene: SIK1 (salt inducible kinase 1; minus strand). Cytogenetic location: 21q22.3.
Variant type: single nucleotide variant.
Coding change: c.2033A>C on transcript NM_173354.5 (MANE Select); coding-DNA position 2033, A replaced by C.
Protein change: p.Gln678Pro; replaces glutamine 678 with proline.
Molecular consequence: missense variant.
Genome position (GRCh38, 1-based): chr21:43,417,061, T>G on the plus strand (A>C on the coding strand, the complement: SIK1 is on the minus strand). VCF-style: chr21-43417061-T-G. GRCh37 (hg19) VCF-style: chr21-44836941-T-G.
Other names: short protein forms Q678P.
Identifiers: ClinVar variation 589068 (VCV000589068.15), dbSNP rs763160252, ClinGen allele CA321324527.

ClinVar aggregate classification (germline): Uncertain significance. Review status: criteria provided, multiple submitters, no conflicts (2 of 4 stars). 3 submissions from 3 submitters: Uncertain significance (3). Last evaluated 2024-10-24.

Conditions:
Inborn genetic diseases. Identifiers: MedGen C0950123, MeSH D030342.
Developmental and epileptic encephalopathy, 30 (DEE30). Also called: Epileptic encephalopathy, early infantile, 30. Identifiers: MedGen C4225360, MONDO:0014595, OMIM 616341.

Allele frequency attached by ClinVar (database versions not stated): gnomAD 0.00003; gnomAD exomes 0.00005; ExAC 0.00030.

Submissions (3):

Labcorp Genetics (formerly Invitae), Labcorp
Classification: Uncertain significance for Developmental and epileptic encephalopathy, 30. Last evaluated: 2024-10-24. Review status: criteria provided, single submitter. Criteria: Invitae Variant Classification Sherloc (09022015). Collection method: clinical testing. Allele origin: germline.
Comment: This sequence change replaces glutamine, which is neutral and polar, with proline, which is neutral and non-polar, at codon 678 of the SIK1 protein (p.Gln678Pro). This variant is present in population databases (rs763160252, gnomAD 0.008%). This variant has not been reported in the literature in individuals affected with SIK1-related conditions. ClinVar contains an entry for this variant (Variation ID: 589068). Invitae Evidence Modeling of protein sequence and biophysical properties (such as structural, functional, and spatial information, amino acid conservation, physicochemical variation, residue mobility, and thermodynamic stability) indicates that this missense variant is not expected to disrupt SIK1 protein function with a negative predictive value of 95%. In summary, the available evidence is currently insufficient to determine the role of this variant in disease. Therefore, it has been classified as a Variant of Uncertain Significance.

Ambry Genetics
Classification: Uncertain significance for Inborn genetic diseases. Last evaluated: 2021-12-10. Review status: criteria provided, single submitter. Criteria: Ambry Variant Classification Scheme 2023. Collection method: clinical testing. Allele origin: germline.

Breakthrough Genomics
Classification: Uncertain significance. Review status: criteria provided, single submitter. Criteria: ACMG Guidelines, 2015. Collection method: not provided. Allele origin: germline. Inheritance: Autosomal dominant inheritance. Affected: yes.